The following is an entry in ClinVar:

NM_001114980.2(TP63):c.1A>G (p.Met1Val)

Genes: TP63 (tumor protein p63; plus strand), LOC111162621 (DeltaNp63 promoter of tumor protein p63; plus strand). Cytogenetic location: 3q28.
Variant type: single nucleotide variant.
Coding change: c.1A>G on transcript NM_001114980.2 (MANE Plus Clinical); coding-DNA position 1, A replaced by G.
Protein change: p.Met1Val; changes the start codon (methionine 1).
Molecular consequence: missense variant, initiator codon variant. On other transcripts: intron variant (6).
Genome position (GRCh38, 1-based): chr3:189,789,801, A>G. VCF-style: chr3-189789801-A-G. GRCh37 (hg19) VCF-style: chr3-189507590-A-G.
Other names: c.1A>G, p.Met1Val (NM_001114981.2, NM_001114982.2, NM_001329145.2 and 3 more transcripts); c.319-18471A>G (NM_001329964.2); c.325-18471A>G (NM_003722.5, NM_001114978.2, NM_001329144.2 and 2 more transcripts); short protein forms M1V.
Identifiers: ClinVar variation 379663 (VCV000379663.6), dbSNP rs1057520683, ClinGen allele CA16604493.

ClinVar aggregate classification (germline): Likely pathogenic. Review status: criteria provided, multiple submitters, no conflicts (2 of 4 stars). 2 submissions from 2 submitters: Likely pathogenic (2). Last evaluated 2026-08-25.

Conditions:
TP63-related disorder. Also called: TP63-related condition; TP63-Related Disorders. Identifiers: MedGen CN380159.

Submissions (2):

GeneDx
Classification: Likely pathogenic. Last evaluated: 2026-08-25. Review status: criteria provided, single submitter. Criteria: GeneDx Variant Classification Process June 2021. Collection method: clinical testing. Allele origin: germline.
Comment: Initiation codon variant predicted to critically alter the protein; Not observed at significant frequency in large population cohorts (gnomAD); Reported using an alternate transcript of the gene; Has not been previously published as pathogenic or benign to our knowledge; This variant is associated with the following publications: (PMID: 18364388)

Greenwood Genetic Center Diagnostic Laboratories, Greenwood Genetic Center
Classification: Likely pathogenic for TP63-related disorder. Last evaluated: 2025-04-21. Review status: criteria provided, single submitter. Criteria: ACMG Guidelines, 2015. Collection method: clinical testing. Allele origin: germline. Affected: yes.
Comment: PVS1_Strong, PM2